The following is an entry in ClinVar:

ClinVar aggregate classification (germline): Uncertain significance. Review status: criteria provided, multiple submitters, no conflicts (2 of 4 stars). 2 submissions from 2 submitters: Uncertain significance (2). Last evaluated 2024-11-15.

Conditions:
Epilepsy, progressive myoclonic, 1B. Also called: PME. Identifiers: Orphanet 308, MedGen C2676254, MONDO:0012904, OMIM 612437.

Allele frequency attached by ClinVar (database versions not stated): gnomAD 0.00001; TOPMed 0.00001.
gnomAD v4.1: 13 of 1,613,870 alleles (0.00081%); highest among the groups gnomAD compares: South Asian, 0.0033%; no homozygotes.

Submissions (2):

Women's Health and Genetics/Laboratory Corporation of America, LabCorp
Classification: Uncertain significance. Last evaluated: 2024-11-15. Review status: criteria provided, single submitter. Criteria: LabCorp Variant Classification Summary - May 2015. Collection method: clinical testing. Allele origin: germline.
Comment: Variant summary: PRICKLE1 c.2311G>A (p.Asp771Asn) results in a conservative amino acid change located in the PKH domain (Bosoi_2011) of the encoded protein sequence. Three of five in-silico tools predict a damaging effect of the variant on protein function. The variant allele was found at a frequency of 8e-06 in 251408 control chromosomes (gnomAD). The available data on variant occurrences in the general population are insufficient to allow any conclusion about variant significance. c.2311G>A has been reported in the literature in one individual affected with neural tube defects (Bosoi_2011). The report does not provide unequivocal conclusions about association of the variant with Epilepsy, progressive myoclonic, 1B. To our knowledge, no experimental evidence demonstrating an impact on protein function has been reported. The following publication have been ascertained in the context of this evaluation (PMID: 21901791). ClinVar contains an entry for this variant (Variation ID: 1038611). Based on the evidence outlined above, the variant was classified as uncertain significance.

Labcorp Genetics (formerly Invitae), Labcorp
Classification: Uncertain significance for Epilepsy, progressive myoclonic, 1B. Last evaluated: 2024-11-11. Review status: criteria provided, single submitter. Criteria: Invitae Variant Classification Sherloc (09022015). Collection method: clinical testing. Allele origin: germline.
Comment: This sequence change replaces aspartic acid, which is acidic and polar, with asparagine, which is neutral and polar, at codon 771 of the PRICKLE1 protein (p.Asp771Asn). This variant is present in population databases (no rsID available, gnomAD 0.003%). This variant has not been reported in the literature in individuals affected with PRICKLE1-related conditions. ClinVar contains an entry for this variant (Variation ID: 1038611). Invitae Evidence Modeling of protein sequence and biophysical properties (such as structural, functional, and spatial information, amino acid conservation, physicochemical variation, residue mobility, and thermodynamic stability) indicates that this missense variant is not expected to disrupt PRICKLE1 protein function with a negative predictive value of 80%. In summary, the available evidence is currently insufficient to determine the role of this variant in disease. Therefore, it has been classified as a Variant of Uncertain Significance.

Literature cited by the submitters: PubMed 21901791 (cited by Women's Health and Genetics/Laboratory Corporation of America, LabCorp).

NM_153026.3(PRICKLE1):c.2311G>A (p.Asp771Asn)

Gene: PRICKLE1 (prickle planar cell polarity protein 1; minus strand). Cytogenetic location: 12q12.
Variant type: single nucleotide variant.
Coding change: c.2311G>A on transcript NM_153026.3 (MANE Select); coding-DNA position 2311, G replaced by A.
Protein change: p.Asp771Asn; replaces aspartic acid 771 with asparagine.
Molecular consequence: missense variant.
Genome position (GRCh38, 1-based): chr12:42,459,994, C>T on the plus strand (G>A on the coding strand, the complement: PRICKLE1 is on the minus strand). VCF-style: chr12-42459994-C-T. GRCh37 (hg19) VCF-style: chr12-42853796-C-T.
Other names: c.2311G>A, p.Asp771Asn (NM_001144881.2, NM_001144882.2, NM_001144883.2); short protein forms D771N.
Identifiers: ClinVar variation 1038611 (VCV001038611.8), dbSNP rs146670726, ClinGen allele CA384439748.